The following is an entry in ClinVar:

NM_024741.3(ZNF408):c.1772C>T (p.Ala591Val)

Gene: ZNF408 (zinc finger protein 408; plus strand). Cytogenetic location: 11p11.2.
Variant type: single nucleotide variant.
Coding change: c.1772C>T on transcript NM_024741.3 (MANE Select); coding-DNA position 1772, C replaced by T.
Protein change: p.Ala591Val; replaces alanine 591 with valine.
Molecular consequence: missense variant.
Genome position (GRCh38, 1-based): chr11:46,705,472, C>T. VCF-style: chr11-46705472-C-T. GRCh37 (hg19) VCF-style: chr11-46727022-C-T.
Other names: c.1748C>T, p.Ala583Val (NM_001184751.2); short protein forms A591V, A583V.
Identifiers: ClinVar variation 2955369 (VCV002955369.3), dbSNP rs763322327, ClinGen allele CA5966642.

ClinVar aggregate classification (germline): Uncertain significance (1 of 4 stars; one submission).

Allele frequency attached by ClinVar (database versions not stated): TOPMed below 0.00001; ExAC 0.00001; gnomAD 0.00001; gnomAD exomes 0.00001.
gnomAD v4.1: 4 of 1,606,824 alleles (0.00025%); highest among the groups gnomAD compares: Admixed American, 0.005%; no homozygotes.

Submission:

Labcorp Genetics (formerly Invitae), Labcorp
Classification: Uncertain significance. Last evaluated: 2022-12-12. Review status: criteria provided, single submitter. Criteria: Invitae Variant Classification Sherloc (09022015). Collection method: clinical testing. Allele origin: germline.
Comment: This sequence change replaces alanine, which is neutral and non-polar, with valine, which is neutral and non-polar, at codon 591 of the ZNF408 protein (p.Ala591Val). This variant is present in population databases (rs763322327, gnomAD 0.003%). This variant has not been reported in the literature in individuals affected with ZNF408-related conditions. Algorithms developed to predict the effect of missense changes on protein structure and function are either unavailable or do not agree on the potential impact of this missense change (SIFT: "Deleterious"; PolyPhen-2: "Probably Damaging"; Align-GVGD: "Class C0"). In summary, the available evidence is currently insufficient to determine the role of this variant in disease. Therefore, it has been classified as a Variant of Uncertain Significance.